The following is an entry in ClinVar:

NM_000539.3(RHO):c.620T>G (p.Met207Arg)

Gene: RHO (rhodopsin; plus strand). Cytogenetic location: 3q22.1.
Variant type: single nucleotide variant.
Coding change: c.620T>G on transcript NM_000539.3 (MANE Select); coding-DNA position 620, T replaced by G.
Protein change: p.Met207Arg; replaces methionine 207 with arginine.
Molecular consequence: missense variant.
Genome position (GRCh38, 1-based): chr3:129,532,340, T>G. VCF-style: chr3-129532340-T-G. GRCh37 (hg19) VCF-style: chr3-129251183-T-G.
Other names: short protein forms M207R.
Identifiers: ClinVar variation 13043 (VCV000013043.23), dbSNP rs104893782, ClinGen allele CA256686.

ClinVar aggregate classification (germline): Pathogenic. Review status: criteria provided, multiple submitters, no conflicts (2 of 4 stars). 3 submissions from 3 submitters: Pathogenic (2). 1 of the submissions does not count toward it. Last evaluated 2024-05-29.

Conditions:
RHO-related disorder. Also called: RHO-related condition.
Retinitis pigmentosa 4 (RP4). Also called: RETINITIS PIGMENTOSA, RHODOPSIN-RELATED. Identifiers: Orphanet 791, MedGen C3151001, MONDO:0013395, OMIM 613731.

Submissions (3):

Blueprint Genetics
Classification: Pathogenic for RHO-related disorders. Last evaluated: 2024-05-29. Review status: criteria provided, single submitter. Criteria: ACMG Guidelines, 2015. Collection method: clinical testing. Allele origin: germline. Affected: yes. Observed: 5 variant alleles.

CeGaT Center for Human Genetics Tuebingen
Classification: Pathogenic. Last evaluated: 2024-04-01. Review status: criteria provided, single submitter. Criteria: CeGaT Center For Human Genetics Tuebingen Variant Classification Criteria Version 2. Collection method: clinical testing. Allele origin: germline. Affected: yes. Observed: 2 variant alleles.
Comment: RHO: PP1:Strong, PM2, PM5, PS4:Moderate, PP3, PS3:Supporting

OMIM
Classification: Pathogenic for RETINITIS PIGMENTOSA 4. Last evaluated: 1992-12-01. Review status: no assertion criteria provided. Collection method: literature only. Allele origin: germline. Not counted in ClinVar's aggregate classification.

Literature cited by the submitters: PubMed 1302614 (cited by OMIM); PubMed 2613244 (cited by OMIM).